The following is an entry in ClinVar:

ClinVar aggregate classification (germline): Likely benign. Review status: criteria provided, multiple submitters, no conflicts (2 of 4 stars). 3 submissions from 3 submitters: Likely benign (3). Last evaluated 2026-01-25.

Conditions:
Familial adenomatous polyposis 1 (FAP1). Also called: POLYPOSIS, ADENOMATOUS INTESTINAL; FAMILIAL ADENOMATOUS POLYPOSIS 1, ATTENUATED. Identifiers: MedGen C2713442, MONDO:0021056, OMIM 175100. Disease mechanism: loss of function.

Allele frequency attached by ClinVar (database versions not stated): gnomAD exomes below 0.00001 and 0.00001.

Submissions (3):

Labcorp Genetics (formerly Invitae), Labcorp
Classification: Likely benign for Familial adenomatous polyposis 1. Last evaluated: 2026-01-25. Review status: criteria provided, single submitter. Criteria: Invitae Variant Classification Sherloc (09022015). Collection method: clinical testing. Allele origin: germline.

Center for Genomic Medicine, Rigshospitalet, Copenhagen University Hospital
Classification: Likely benign. Last evaluated: 2025-03-04. Review status: criteria provided, single submitter. Criteria: ACMG Guidelines, 2015. Collection method: clinical testing. Allele origin: germline.

Myriad Genetics, Inc.
Classification: Likely benign for Familial adenomatous polyposis 1. Last evaluated: 2024-03-05. Review status: criteria provided, single submitter. Criteria: Myriad Autosomal Dominant, Autosomal Recessive and X-Linked Classification Criteria (2023). Collection method: clinical testing. Allele origin: unknown.
Comment: This variant is considered likely benign. This variant is intronic and is not expected to impact mRNA splicing.

NM_000038.6(APC):c.1549-20A>G

Gene: APC (APC regulator of Wnt signaling pathway; plus strand). Cytogenetic location: 5q22.2.
Variant type: single nucleotide variant.
Coding change: c.1549-20A>G on transcript NM_000038.6 (MANE Select); 20 bases into the intron before coding-DNA position 1549, A replaced by G.
Molecular consequence: intron variant.
Genome position (GRCh38, 1-based): chr5:112,827,909, A>G. VCF-style: chr5-112827909-A-G. GRCh37 (hg19) VCF-style: chr5-112163606-A-G.
Other names: c.1549-20A>G (NM_001354895.2, NM_001127510.3); c.1579-20A>G (NM_001354897.2); c.1276-20A>G (NM_001354902.2); c.1495-20A>G (NM_001127511.3); c.1474-20A>G (NM_001354898.2); c.1171-20A>G (NM_001354904.2); c.700-20A>G (NM_001354906.2); c.1603-20A>G (NM_001354896.2); and 5 more.
Identifiers: ClinVar variation 1593426 (VCV001593426.11), dbSNP rs993325922, ClinGen allele CA561904860.